The following is an entry in ClinVar:

ClinVar aggregate classification (germline): Uncertain significance (1 of 4 stars; one submission).

Conditions:
Distal hereditary motor neuropathy type 2. Identifiers: Orphanet 139525, MedGen C3711384, MeSH C580044, MONDO:0015352.

Allele frequency attached by ClinVar (database versions not stated): gnomAD 0.00002; TOPMed 0.00003; ESP Exome Variant Server 0.00008.
gnomAD v4.1: 5 of 1,613,948 alleles (0.00031%); highest among the groups gnomAD compares: African/African-American, 0.0067%; no homozygotes.

Submission:

Labcorp Genetics (formerly Invitae), Labcorp
Classification: Uncertain significance for Distal hereditary motor neuropathy type 2. Last evaluated: 2024-11-22. Review status: criteria provided, single submitter. Criteria: Invitae Variant Classification Sherloc (09022015). Collection method: clinical testing. Allele origin: germline.
Comment: This sequence change replaces leucine, which is neutral and non-polar, with valine, which is neutral and non-polar, at codon 906 of the FBXO38 protein (p.Leu906Val). This variant is present in population databases (rs367636419, gnomAD 0.007%). This variant has not been reported in the literature in individuals affected with FBXO38-related conditions. ClinVar contains an entry for this variant (Variation ID: 2852008). An algorithm developed to predict the effect of missense changes on protein structure and function (PolyPhen-2) suggests that this variant is likely to be tolerated. In summary, the available evidence is currently insufficient to determine the role of this variant in disease. Therefore, it has been classified as a Variant of Uncertain Significance.

NM_205836.3(FBXO38):c.2941C>G (p.Leu981Val)

Gene: FBXO38 (F-box protein 38; plus strand). Cytogenetic location: 5q32.
Variant type: single nucleotide variant.
Coding change: c.2941C>G on transcript NM_205836.3 (MANE Select); coding-DNA position 2941, C replaced by G.
Protein change: p.Leu981Val; replaces leucine 981 with valine.
Molecular consequence: missense variant.
Genome position (GRCh38, 1-based): chr5:148,438,415, C>G. VCF-style: chr5-148438415-C-G. GRCh37 (hg19) VCF-style: chr5-147817978-C-G.
Other names: c.2206C>G, p.Leu736Val (NM_001271723.2); c.2716C>G, p.Leu906Val (NM_030793.5); short protein forms L981V, L906V, L736V.
Identifiers: ClinVar variation 2852008 (VCV002852008.3), dbSNP rs367636419, ClinGen allele CA128955576.
Genomic context (GRCh38, chr5:148,438,415, plus strand): 5'-CATTTAAAGGTAGAAAATGCACCAATTGTAAACCGATTTGACTATGCACAGTGCAAGAAA[C>G]TGAACATGGATCAGGTACTAGACCAGATACTAAGAATGCCACCCGAGAGAAACCGCATCA-3'
Protein context (NP_995308.1, residues 971-991): NRFDYAQCKK[Leu981Val]NMDQVLDQIL